The following is an entry in ClinVar:

NM_000256.3(MYBPC3):c.3315C>T (p.Ala1105=)

Gene: MYBPC3 (myosin binding protein C3; minus strand). Cytogenetic location: 11p11.2.
Variant type: single nucleotide variant.
Coding change: c.3315C>T on transcript NM_000256.3 (MANE Select); coding-DNA position 3315, C replaced by T.
Protein change: p.Ala1105=; no amino-acid change (alanine 1105 retained).
Molecular consequence: synonymous variant.
Genome position (GRCh38, 1-based): chr11:47,333,209, G>A on the plus strand (C>T on the coding strand, the complement: MYBPC3 is on the minus strand). VCF-style: chr11-47333209-G-A. GRCh37 (hg19) VCF-style: chr11-47354760-G-A.
Identifiers: ClinVar variation 178872 (VCV000178872.20), dbSNP rs200372325, ClinGen allele CA013897.

ClinVar aggregate classification (germline): Benign/Likely benign. Review status: criteria provided, multiple submitters, no conflicts (2 of 4 stars). 8 submissions from 8 submitters: Benign (1); Likely benign (7). Last evaluated 2025-11-28.

Conditions:
MYBPC3-related disorder. Also called: MYBPC3-related disorders; MYBPC3-related condition; MYBPC3-related disease.
Cardiovascular phenotype. Identifiers: MedGen CN230736.
Cardiomyopathy (CMYO). Also called: Cardiomyopathies. Identifiers: Orphanet 167848, MedGen C0878544, MONDO:0004994, HP:0001638. Inheritance: Various modes of inheritance.
Hypertrophic cardiomyopathy. Also called: HYPERTROPHIC MYOCARDIOPATHY. Identifiers: Orphanet 217569, MedGen C0007194, MeSH D002312, MONDO:0005045, HP:0001639.

Allele frequency attached by ClinVar (database versions not stated): TOPMed 0.00006; 1000 Genomes Project 30x 0.00016; 1000 Genomes Project 0.00020.
gnomAD v4.1: 29 of 1,601,588 alleles (0.0018%); highest among the groups gnomAD compares: African/African-American, 0.0094%; 1 homozygote.

Submissions (8):

Labcorp Genetics (formerly Invitae), Labcorp
Classification: Likely benign for Hypertrophic cardiomyopathy. Last evaluated: 2025-11-28. Review status: criteria provided, single submitter. Criteria: Invitae Variant Classification Sherloc (09022015). Collection method: clinical testing. Allele origin: germline.

PreventionGenetics, part of Exact Sciences
Classification: Likely benign for MYBPC3-related condition. Last evaluated: 2025-09-17. Review status: criteria provided, single submitter. Criteria: ACMG Guidelines, 2015. Collection method: clinical testing. Allele origin: germline.
Comment: This variant is classified as likely benign based on ACMG/AMP sequence variant interpretation guidelines (Richards et al. 2015 PMID: 25741868, with internal and published modifications).

Blueprint Genetics
Classification: Likely benign. Last evaluated: 2024-10-10. Review status: criteria provided, single submitter. Criteria: ACMG Guidelines, 2015. Collection method: clinical testing. Allele origin: germline.

All of Us Research Program, National Institutes of Health
Classification: Likely benign for Hypertrophic cardiomyopathy. Last evaluated: 2023-12-13. Review status: criteria provided, single submitter. Criteria: ACMG Guidelines, 2015. Collection method: clinical testing. Allele origin: germline. Inheritance: Autosomal dominant inheritance. Observed: 9 variant alleles, 9 heterozygotes.
Comment: This study involves interpretation of variants in research participants for the purpose of population health screening. Participant phenotype was not available at the time of variant classification. Additional details can be found in publication PMID: 35346344, PMCID: PMC8962531

Ambry Genetics
Classification: Likely benign for Cardiovascular phenotype. Last evaluated: 2021-08-19. Review status: criteria provided, single submitter. Criteria: Ambry Variant Classification Scheme 2023. Collection method: clinical testing. Allele origin: germline.

Color Diagnostics, LLC DBA Color Health
Classification: Likely benign for Cardiomyopathy. Last evaluated: 2020-03-23. Review status: criteria provided, single submitter. Criteria: ACMG Guidelines, 2015. Collection method: clinical testing. Allele origin: germline.

GeneDx
Classification: Benign. Last evaluated: 2016-06-28. Review status: criteria provided, single submitter. Criteria: GeneDx Variant Classification (06012015). Collection method: clinical testing. Allele origin: germline. Affected: yes.
Comment: This variant is considered likely benign or benign based on one or more of the following criteria: it is a conservative change, it occurs at a poorly conserved position in the protein, it is predicted to be benign by multiple in silico algorithms, and/or has population frequency not consistent with disease.

Laboratory for Molecular Medicine, Mass General Brigham Personalized Medicine
Classification: Likely benign. Last evaluated: 2013-04-03. Review status: criteria provided, single submitter. Criteria: LMM Criteria. Collection method: clinical testing. Allele origin: germline. Observed: 1 variant allele.
Comment: Ala1105Ala in exon 30 of MYBPC3: This variant is not expected to have clinical s ignificance because it does not alter an amino acid residue and is not located w ithin the splice consensus sequence. The same synonymous variant resulting from a different DNA variant (3315C>A) has been identified in 2/8354 European America n chromosomes by the NHLBI Exome Sequencing Project (u/EVS/; dbSNP rs200372325).